The following is an entry in ClinVar:

NM_000377.3(WAS):c.459T>G (p.Ser153Arg)

Gene: WAS (WASP actin nucleation promoting factor; plus strand). Cytogenetic location: Xp11.23.
Variant type: single nucleotide variant.
Coding change: c.459T>G on transcript NM_000377.3 (MANE Select); coding-DNA position 459, T replaced by G.
Protein change: p.Ser153Arg; replaces serine 153 with arginine.
Molecular consequence: missense variant.
Genome position (GRCh38, 1-based): chrX:48,685,832, T>G. VCF-style: chrX-48685832-T-G. GRCh37 (hg19) VCF-style: chrX-48544221-T-G.
Other names: short protein forms S153R.
Identifiers: ClinVar variation 657456 (VCV000657456.6), dbSNP rs1557006590, ClinGen allele CA412868310.
Genomic context (GRCh38, chrX:48,685,832, plus strand): 5'-GGCCCAGGCCTTCCGGGCCCTCGTGCAGGAGAAGATACAAAAAAGGAATCAGAGGCAAAG[T>G]GGAGGTGAGGAGGCCACAGGGGAGGAAAGGAAGTTGGGCAGAGGTGAGTGCAAGCCTGGG-3'
Protein context (NP_000368.1, residues 143-163): EKIQKRNQRQ[Ser153Arg]GDRRQLPPPP

ClinVar aggregate classification (germline): Uncertain significance (1 of 4 stars; one submission).

Conditions:
Thrombocytopenia 1. Also called: THROMBOCYTOPENIA, X-LINKED, 1; X-linked thrombocytopenia with normal platelets; X-Linked Thrombocytopenia (XLT). Identifiers: Orphanet 268322, Orphanet 852, MedGen C1839163, MONDO:0010743, OMIM 313900.
Wiskott-Aldrich syndrome (WAS). Also called: ALDRICH SYNDROME; IMMUNODEFICIENCY 2; WISKOTT-ALDRICH SYNDROME 1; Wiskott-aldrich syndrome, somatic. Identifiers: Orphanet 906, MedGen C0043194, MONDO:0010518, OMIM 301000.
X-linked severe congenital neutropenia (SCNX). Identifiers: Orphanet 86788, MedGen C1845987, MONDO:0010294, OMIM 300299.

Allele frequency attached by ClinVar (database versions not stated): gnomAD exomes 0.00001.

Submission:

Labcorp Genetics (formerly Invitae), Labcorp
Classification: Uncertain significance for Wiskott-Aldrich syndrome; X-linked severe congenital neutropenia; Thrombocytopenia 1. Last evaluated: 2022-03-03. Review status: criteria provided, single submitter. Criteria: Invitae Variant Classification Sherloc (09022015). Collection method: clinical testing. Allele origin: germline.
Comment: This sequence change replaces serine, which is neutral and polar, with arginine, which is basic and polar, at codon 153 of the WAS protein (p.Ser153Arg). This variant is present in population databases (no rsID available, gnomAD 0.002%). This variant has not been reported in the literature in individuals affected with WAS-related conditions. ClinVar contains an entry for this variant (Variation ID: 657456). Algorithms developed to predict the effect of missense changes on protein structure and function are either unavailable or do not agree on the potential impact of this missense change (SIFT: "Not Available"; PolyPhen-2: "Possibly Damaging"; Align-GVGD: "Not Available"). Algorithms developed to predict the effect of sequence changes on RNA splicing suggest that this variant may disrupt the consensus splice site. In summary, the available evidence is currently insufficient to determine the role of this variant in disease. Therefore, it has been classified as a Variant of Uncertain Significance.